The following is an entry in ClinVar:

ClinVar aggregate classification (germline): Pathogenic. Review status: criteria provided, multiple submitters, no conflicts (2 of 4 stars). 2 submissions from 2 submitters: Pathogenic (2). Last evaluated 2025-02-20.

Conditions:
Duchenne muscular dystrophy (DMD). Also called: Duchenne Muscular Dystrophy (DMD); MUSCULAR DYSTROPHY, PSEUDOHYPERTROPHIC PROGRESSIVE, DUCHENNE TYPE. Identifiers: Orphanet 98896, MedGen C0013264, MONDO:0010679, OMIM 310200.

Submissions (2):

3billion
Classification: Pathogenic for Duchenne muscular dystrophy. Last evaluated: 2025-02-20. Review status: criteria provided, single submitter. Criteria: ACMG Guidelines, 2015. Collection method: clinical testing. Allele origin: germline. Affected: yes.
Comment: The variant is not observed in the gnomAD v4.1.0 dataset. Predicted Consequence/Location: Stop-gained (nonsense): predicted to result in a loss or disruption of normal protein function through nonsense-mediated decay (NMD) or protein truncation. Multiple pathogenic variants are reported downstream of the variant. The variant has been reported to be associated with DMD-related disorder (ClinVar ID: VCV000526083 /PMID: 28859693). Therefore, this variant is classified as Pathogenic according to the recommendation of ACMG/AMP guideline.

Labcorp Genetics (formerly Invitae), Labcorp
Classification: Pathogenic for Duchenne muscular dystrophy. Last evaluated: 2017-08-28. Review status: criteria provided, single submitter. Criteria: Invitae Variant Classification Sherloc (09022015). Collection method: clinical testing. Allele origin: germline.
Comment: This variant has not been reported in the literature in individuals with DMD-related disease. For these reasons, this variant has been classified as Pathogenic. Loss-of-function variants in DMD are known to be pathogenic (PMID: 16770791, 25007885). This variant is not present in population databases (ExAC no frequency). This sequence change creates a premature translational stop signal (p.Arg1868*) in the DMD gene. It is expected to result in an absent or disrupted protein product.

Literature cited by the submitters: PubMed 28859693 (cited by 3billion); PubMed 16770791 (cited by Labcorp Genetics (formerly Invitae), Labcorp); PubMed 25007885 (cited by Labcorp Genetics (formerly Invitae), Labcorp).

NM_004006.3(DMD):c.5602A>T (p.Arg1868Ter)

Gene: DMD (dystrophin; minus strand). Cytogenetic location: Xp21.1.
Variant type: single nucleotide variant.
Coding change: c.5602A>T on transcript NM_004006.3 (MANE Select); coding-DNA position 5602, A replaced by T.
Protein change: p.Arg1868Ter; replaces arginine 1868 with a stop codon.
Molecular consequence: nonsense.
Genome position (GRCh38, 1-based): chrX:32,343,271, T>A on the plus strand (A>T on the coding strand, the complement: DMD is on the minus strand). VCF-style: chrX-32343271-T-A. GRCh37 (hg19) VCF-style: chrX-32361388-T-A.
Other names: c.5578A>T, p.Arg1860Ter (NM_000109.4); c.5590A>T, p.Arg1864Ter (NM_004009.3); c.5233A>T, p.Arg1745Ter (NM_004010.3); c.1579A>T, p.Arg527Ter (NM_004011.4); c.1570A>T, p.Arg524Ter (NM_004012.4); short protein forms R1868*, R1864*, R1745*, R524*, R527*, R1860*.
Identifiers: ClinVar variation 526083 (VCV000526083.9), dbSNP rs1557291229, ClinGen allele CA412666426.